The following is an entry in ClinVar:

NM_030930.4(UNC93B1):c.1120C>G (p.Arg374Gly)

Gene: UNC93B1 (unc-93 homolog B1, TLR signaling regulator; minus strand). Cytogenetic location: 11q13.2.
Variant type: single nucleotide variant.
Coding change: c.1120C>G on transcript NM_030930.4 (MANE Select); coding-DNA position 1120, C replaced by G.
Protein change: p.Arg374Gly; replaces arginine 374 with glycine.
Molecular consequence: missense variant.
Genome position (GRCh38, 1-based): chr11:67,995,854, G>C on the plus strand (C>G on the coding strand, the complement: UNC93B1 is on the minus strand). VCF-style: chr11-67995854-G-C. GRCh37 (hg19) VCF-style: chr11-67763325-G-C.
Other names: short protein forms R374G.
Identifiers: ClinVar variation 235674 (VCV000235674.3), dbSNP rs751962660, ClinGen allele CA6145441.

ClinVar aggregate classification (germline): Uncertain significance (1 of 4 stars; one submission).

Allele frequency attached by ClinVar (database versions not stated): ExAC 0.00013.

Submission:

Center for Pediatric Genomic Medicine, Children's Mercy Hospital and Clinics
Classification: Uncertain significance. Last evaluated: 2015-06-04. Review status: criteria provided, single submitter. Criteria: ACMG Guidelines, 2015. Collection method: clinical testing. Allele origin: germline.
ClinVar note: Converted during submission from Uncertain Significance to Uncertain significance.